The following is an entry in ClinVar:

NM_000083.3(CLCN1):c.1270A>G (p.Ile424Val)

Gene: CLCN1 (chloride voltage-gated channel 1; plus strand). Cytogenetic location: 7q34.
Variant type: single nucleotide variant.
Coding change: c.1270A>G on transcript NM_000083.3 (MANE Select); coding-DNA position 1270, A replaced by G.
Protein change: p.Ile424Val; replaces isoleucine 424 with valine.
Molecular consequence: missense variant.
Genome position (GRCh38, 1-based): chr7:143,332,742, A>G. VCF-style: chr7-143332742-A-G. GRCh37 (hg19) VCF-style: chr7-143029835-A-G.
Other names: short protein forms I424V.
Identifiers: ClinVar variation 4537289 (VCV004537289.2).

ClinVar aggregate classification (germline): Uncertain significance. Review status: criteria provided, multiple submitters, no conflicts (2 of 4 stars). 2 submissions from 2 submitters: Uncertain significance (2). Last evaluated 2025-11-20.

Conditions:
Congenital myotonia, autosomal dominant form (THD). Also called: THOMSEN DISEASE; Myotonia congenita autosomal dominant. Identifiers: Orphanet 614, MedGen C2936781, MONDO:0008055, OMIM 160800.
Congenital myotonia, autosomal recessive form. Also called: BECKER DISEASE; myotonia congenita, autosomal recessive; Becker Generalized Myotonia. Identifiers: Orphanet 614, MedGen C0751360, MONDO:0009715, OMIM 255700.

gnomAD v4.1: 1 of 1,614,198 alleles (0.000062%); highest among the groups gnomAD compares: Non-Finnish European, 0.000085%; no homozygotes.

Submissions (2):

Women's Health and Genetics/Laboratory Corporation of America, LabCorp
Classification: Uncertain significance. Last evaluated: 2025-11-20. Review status: criteria provided, single submitter. Criteria: LabCorp Variant Classification Summary - May 2015. Collection method: clinical testing. Allele origin: germline.
Comment: Variant summary: CLCN1 c.1270A>G (p.Ile424Val) results in a conservative amino acid change in the encoded protein sequence. Algorithms developed to predict the effect of missense changes on protein structure and function are either unavailable or do not agree on the potential impact of this missense change. The variant was absent in 251466 control chromosomes. The available data on variant occurrences in the general population are insufficient to allow any conclusion about variant significance. To our knowledge, no occurrence of c.1270A>G in individuals affected with CLCN1-related conditions and no experimental evidence demonstrating its impact on protein function have been reported. No submitters have cited clinical-significance assessments for this variant to ClinVar. Based on the evidence outlined above, the variant was classified as uncertain significance.

Labcorp Genetics (formerly Invitae), Labcorp
Classification: Uncertain significance for Congenital myotonia, autosomal recessive form; Congenital myotonia, autosomal dominant form. Last evaluated: 2025-02-06. Review status: criteria provided, single submitter. Criteria: Invitae Variant Classification Sherloc (09022015). Collection method: clinical testing. Allele origin: germline.
Comment: This sequence change replaces isoleucine, which is neutral and non-polar, with valine, which is neutral and non-polar, at codon 424 of the CLCN1 protein (p.Ile424Val). This variant is not present in population databases (gnomAD no frequency). This variant has not been reported in the literature in individuals affected with CLCN1-related conditions. Invitae Evidence Modeling of protein sequence and biophysical properties (such as structural, functional, and spatial information, amino acid conservation, physicochemical variation, residue mobility, and thermodynamic stability) has been performed for this missense variant. However, the output from this modeling did not meet the statistical confidence thresholds required to predict the impact of this variant on CLCN1 protein function. In summary, the available evidence is currently insufficient to determine the role of this variant in disease. Therefore, it has been classified as a Variant of Uncertain Significance.